The following is an entry in ClinVar:

NM_002181.4(IHH):c.635T>C (p.Leu212Pro)

Gene: IHH (Indian hedgehog signaling molecule; minus strand). Cytogenetic location: 2q35.
Variant type: single nucleotide variant.
Coding change: c.635T>C on transcript NM_002181.4 (MANE Select); coding-DNA position 635, T replaced by C.
Protein change: p.Leu212Pro; replaces leucine 212 with proline.
Molecular consequence: missense variant.
Genome position (GRCh38, 1-based): chr2:219,055,808, A>G on the plus strand (T>C on the coding strand, the complement: IHH is on the minus strand). VCF-style: chr2-219055808-A-G. GRCh37 (hg19) VCF-style: chr2-219920530-A-G.
Other names: short protein forms L212P.
Identifiers: ClinVar variation 1015794 (VCV001015794.10), dbSNP rs1948825661, ClinGen allele CA350633266.

ClinVar aggregate classification (germline): Uncertain significance (1 of 4 stars; one submission).

Submission:

Labcorp Genetics (formerly Invitae), Labcorp
Classification: Uncertain significance. Last evaluated: 2022-06-13. Review status: criteria provided, single submitter. Criteria: Invitae Variant Classification Sherloc (09022015). Collection method: clinical testing. Allele origin: germline.
Comment: This variant has not been reported in the literature in individuals affected with IHH-related conditions. In summary, the available evidence is currently insufficient to determine the role of this variant in disease. Therefore, it has been classified as a Variant of Uncertain Significance. Algorithms developed to predict the effect of missense changes on protein structure and function are either unavailable or do not agree on the potential impact of this missense change (SIFT: "Deleterious"; PolyPhen-2: "Probably Damaging"; Align-GVGD: "Class C0"). ClinVar contains an entry for this variant (Variation ID: 1015794). This variant is not present in population databases (gnomAD no frequency). This sequence change replaces leucine, which is neutral and non-polar, with proline, which is neutral and non-polar, at codon 212 of the IHH protein (p.Leu212Pro).